The following is an entry in ClinVar:

ClinVar aggregate classification (germline): Likely benign (1 of 4 stars; one submission).

Submission:

CeGaT Center for Human Genetics Tuebingen
Classification: Likely benign. Last evaluated: 2025-09-01. Review status: criteria provided, single submitter. Criteria: CeGaT Center For Human Genetics Tuebingen Variant Classification Criteria Version 2. Collection method: clinical testing. Allele origin: germline. Affected: yes. Observed: 1 variant allele.
Comment: ELOA3BP: BP4, BP7

NM_001387690.1(KATNAL2):c.51+22330C>T

Gene: KATNAL2 (katanin catalytic subunit A1 like 2; plus strand). Cytogenetic location: 18q21.1.
Variant type: single nucleotide variant.
Coding change: c.51+22330C>T on transcript NM_001387690.1 (MANE Select); 22330 bases into the intron after coding-DNA position 51, C replaced by T.
Molecular consequence: intron variant.
Genome position (GRCh38, 1-based): chr18:46,969,253, C>T. VCF-style: chr18-46969253-C-T. GRCh37 (hg19) VCF-style: chr18-44549216-C-T.
Other names: c.-2+22330C>T (NM_001353904.1, NM_001353903.1, NM_001353907.1 and 3 more transcripts); c.129+22330C>T (NM_001353899.1, NM_001353900.1, NM_001353902.1); c.51+22330C>T (NM_001353901.1, NM_001367621.1); c.-295+22330C>T (NM_001353905.1); c.-95+22330C>T (NM_031303.3).
Identifiers: ClinVar variation 4280808 (VCV004280808.7).